The following is an entry in ClinVar:

ClinVar aggregate classification (germline): Conflicting classifications of pathogenicity. Review status: criteria provided, conflicting classifications (1 of 4 stars). 4 submissions from 4 submitters: Uncertain significance (2); Likely benign (1). 1 of the submissions does not count toward it. Last evaluated 2026-03-05.

Conditions:
Hepatoblastoma. Identifiers: Orphanet 449, MedGen C0206624, MONDO:0018666, HP:0002884.
EP300-related disorder. Also called: EP300-related condition; EP300-related disorders.
Rubinstein-Taybi syndrome due to EP300 haploinsufficiency. Also called: EP300-Related Rubinstein-Taybi Syndrome; RUBINSTEIN-TAYBI SYNDROME 2. Identifiers: Orphanet 353284, Orphanet 783, MedGen C3150941, MONDO:0013364, OMIM 613684.

Allele frequency attached by ClinVar (database versions not stated): TOPMed 0.00001; gnomAD exomes 0.00002.
gnomAD v4.1: 30 of 1,610,070 alleles (0.0019%); highest among the groups gnomAD compares: East Asian, 0.0022%; 1 homozygote.

Submissions (4):

PreventionGenetics, part of Exact Sciences
Classification: Uncertain significance for EP300-related condition. Last evaluated: 2026-03-05. Review status: criteria provided, single submitter. Criteria: ACMG Guidelines, 2015. Collection method: clinical testing. Allele origin: germline.
Comment: The EP300 c.4235C>T variant is predicted to result in the amino acid substitution p.Ala1412Val. This change was reported as a paternally inherited variant of uncertain significance in an individual with hepatoblastoma; however, no additional studies were done to assess its pathogenicity (Aguiar et al. 2022. PubMed ID: 35495172). This variant has also been reported with uncertain significance in a cohort study of individuals with sarcoma (Supplementary Table 5, Carvalho et al. 2023. PubMed ID: 37536918). This variant is reported in 0.0029% of alleles in individuals of Latino descent in gnomAD. At this time, the clinical significance of this variant is uncertain due to the absence of conclusive functional and genetic evidence.

Labcorp Genetics (formerly Invitae), Labcorp
Classification: Likely benign for Rubinstein-Taybi syndrome due to EP300 haploinsufficiency. Last evaluated: 2025-10-01. Review status: criteria provided, single submitter. Criteria: Invitae Variant Classification Sherloc (09022015). Collection method: clinical testing. Allele origin: germline.

GeneDx
Classification: Uncertain significance. Last evaluated: 2023-01-05. Review status: criteria provided, single submitter. Criteria: GeneDx Variant Classification Process June 2021. Collection method: clinical testing. Allele origin: germline. Affected: yes.
Comment: Identified as paternally inherited in a patient with hepatoblastoma, craniosynostosis, facial dysmorphisms, and developmental delay. Patient also reported to have an additional variant in a known cancer predisposition gene (Aguiar et al., 2022); In silico analysis supports that this missense variant has a deleterious effect on protein structure/function; This variant is associated with the following publications: (PMID: 35495172)

Molecular Oncology -  Human Genetics Lab, University of Sao Paulo
Classification: Uncertain significance for Hepatoblastoma. Review status: no assertion criteria provided. Collection method: research. Allele origin: germline. Affected: yes. Not counted in ClinVar's aggregate classification.

NM_001429.4(EP300):c.4235C>T (p.Ala1412Val)

Gene: EP300 (EP300 lysine acetyltransferase; plus strand). Cytogenetic location: 22q13.2.
Variant type: single nucleotide variant.
Coding change: c.4235C>T on transcript NM_001429.4 (MANE Select); coding-DNA position 4235, C replaced by T.
Protein change: p.Ala1412Val; replaces alanine 1412 with valine.
Molecular consequence: missense variant.
Genome position (GRCh38, 1-based): chr22:41,169,565, C>T. VCF-style: chr22-41169565-C-T. GRCh37 (hg19) VCF-style: chr22-41565569-C-T.
Other names: c.4157C>T, p.Ala1386Val (NM_001362843.2); short protein forms A1386V, A1412V.
Identifiers: ClinVar variation 1343301 (VCV001343301.9), dbSNP rs887226313, ClinGen allele CA324553647.
Genomic context (GRCh38, chr22:41,169,565, plus strand): 5'-GAGTATACATATCTTACCTCGATAGTGTTCATTTCTTCCGTCCTAAATGCTTGAGGACTG[C>T]AGTCTATCATGAAATCCTAATTGGATATTTAGAATATGTCAAGAAATTAGGGTAAGCATA-3'
Protein context (NP_001420.2, residues 1402-1422): HFFRPKCLRT[Ala1412Val]VYHEILIGYL